The following is an entry in ClinVar:

NM_002485.5(NBN):c.1546A>G (p.Thr516Ala)

Gene: NBN (nibrin; minus strand). Cytogenetic location: 8q21.3.
Variant type: single nucleotide variant.
Coding change: c.1546A>G on transcript NM_002485.5 (MANE Select); coding-DNA position 1546, A replaced by G.
Protein change: p.Thr516Ala; replaces threonine 516 with alanine.
Molecular consequence: missense variant.
Genome position (GRCh38, 1-based): chr8:89,953,543, T>C on the plus strand (A>G on the coding strand, the complement: NBN is on the minus strand). VCF-style: chr8-89953543-T-C. GRCh37 (hg19) VCF-style: chr8-90965771-T-C.
Other names: c.1300A>G, p.Thr434Ala (NM_001024688.3); short protein forms T434A, T516A.
Identifiers: ClinVar variation 801230 (VCV000801230.18), dbSNP rs376653589, ClinGen allele CA4802705.

ClinVar aggregate classification (germline): Uncertain significance. Review status: criteria provided, multiple submitters, no conflicts (2 of 4 stars). 5 submissions from 5 submitters: Uncertain significance (5). Last evaluated 2024-12-03.

Conditions:
Microcephaly, normal intelligence and immunodeficiency (NBS). Also called: Microcephaly with normal intelligence immunodeficiency and lymphoreticular malignancies; Nonsyndromal microcephaly autosomal recessive with normal intelligence; Seemanova syndrome 2; Ataxia telangiectasia variant V1; BERLIN BREAKAGE SYNDROME; Immunodeficiency, microcephaly with normal intelligence. Identifiers: Orphanet 647, MedGen C0398791, MONDO:0009623, OMIM 251260.
Hereditary cancer-predisposing syndrome. Also called: Neoplastic Syndromes, Hereditary; Hereditary Cancer Syndrome; Tumor predisposition; Hereditary neoplastic syndrome. Identifiers: Orphanet 140162, MedGen C0027672, MeSH D009386, MONDO:0015356.

Allele frequency attached by ClinVar (database versions not stated): ExAC 0.00001; gnomAD exomes below 0.00001; TOPMed below 0.00001; ESP Exome Variant Server 0.00008.
gnomAD v4.1: 1 of 1,613,888 alleles (0.000062%); highest among the groups gnomAD compares: Non-Finnish European, 0.000085%; no homozygotes.

Submissions (5):

GeneDx
Classification: Uncertain significance. Last evaluated: 2024-12-03. Review status: criteria provided, single submitter. Criteria: GeneDx Variant Classification Process June 2021. Collection method: clinical testing. Allele origin: germline. Affected: yes.
Comment: Not observed at significant frequency in large population cohorts (gnomAD); In silico analysis indicates that this missense variant does not alter protein structure/function; Has not been previously published as pathogenic or benign to our knowledge

Labcorp Genetics (formerly Invitae), Labcorp
Classification: Uncertain significance for Microcephaly, normal intelligence and immunodeficiency. Last evaluated: 2023-11-10. Review status: criteria provided, single submitter. Criteria: Invitae Variant Classification Sherloc (09022015). Collection method: clinical testing. Allele origin: germline.
Comment: This sequence change replaces threonine, which is neutral and polar, with alanine, which is neutral and non-polar, at codon 516 of the NBN protein (p.Thr516Ala). This variant is present in population databases (rs376653589, gnomAD 0.0009%). This variant has not been reported in the literature in individuals affected with NBN-related conditions. ClinVar contains an entry for this variant (Variation ID: 801230). An algorithm developed to predict the effect of missense changes on protein structure and function (PolyPhen-2) suggests that this variant is likely to be tolerated. In summary, the available evidence is currently insufficient to determine the role of this variant in disease. Therefore, it has been classified as a Variant of Uncertain Significance.

Genome-Nilou Lab
Classification: Uncertain significance for Microcephaly, normal intelligence and immunodeficiency. Last evaluated: 2021-11-07. Review status: criteria provided, single submitter. Criteria: ACMG Guidelines, 2015. Collection method: clinical testing. Allele origin: germline. Affected: no.

Quest Diagnostics Nichols Institute San Juan Capistrano
Classification: Uncertain significance. Last evaluated: 2019-02-26. Review status: criteria provided, single submitter. Criteria: Quest Diagnostics criteria. Collection method: clinical testing. Allele origin: germline.

Ambry Genetics
Classification: Uncertain significance for Hereditary cancer-predisposing syndrome. Last evaluated: 2018-08-28. Review status: criteria provided, single submitter. Criteria: Ambry Variant Classification Scheme 2023. Collection method: clinical testing. Allele origin: germline.
Comment: The p.T516A variant (also known as c.1546A>G), located in coding exon 11 of the NBN gene, results from an A to G substitution at nucleotide position 1546. The threonine at codon 516 is replaced by alanine, an amino acid with similar properties. This amino acid position is poorly conserved in available vertebrate species. In addition, this alteration is predicted to be tolerated by in silico analysis. Since supporting evidence is limited at this time, the clinical significance of this alteration remains unclear.